The following is an entry in ClinVar:

NM_001267550.2(TTN):c.88811A>G (p.Tyr29604Cys)

Genes: TTN (titin; minus strand), TTN-AS1 (TTN antisense RNA 1; plus strand). Cytogenetic location: 2q31.2.
Variant type: single nucleotide variant.
Coding change: c.88811A>G on transcript NM_001267550.2 (MANE Select); coding-DNA position 88811, A replaced by G.
Protein change: p.Tyr29604Cys; replaces tyrosine 29604 with cysteine.
Molecular consequence: missense variant.
Genome position (GRCh38, 1-based): chr2:178,554,536, T>C on the plus strand (A>G on the coding strand, the complement: TTN is on the minus strand). VCF-style: chr2-178554536-T-C. GRCh37 (hg19) VCF-style: chr2-179419263-T-C.
Other names: c.83888A>G, p.Tyr27963Cys (NM_001256850.1); c.61616A>G, p.Tyr20539Cys (NM_003319.4); c.81107A>G, p.Tyr27036Cys (NM_133378.4); c.61991A>G, p.Tyr20664Cys (NM_133432.3); c.62192A>G, p.Tyr20731Cys (NM_133437.4); short protein forms Y20539C, Y29604C, Y20664C, Y20731C, Y27963C, Y27036C.
Identifiers: ClinVar variation 1751961 (VCV001751961.2), dbSNP rs2469382387, ClinGen allele CA349524695.

ClinVar aggregate classification (germline): Uncertain significance (1 of 4 stars; one submission).

Conditions:
Cardiovascular phenotype. Identifiers: MedGen CN230736.

Submission:

Ambry Genetics
Classification: Uncertain significance for Cardiovascular phenotype. Last evaluated: 2020-06-22. Review status: criteria provided, single submitter. Criteria: Ambry Variant Classification Scheme 2023. Collection method: clinical testing. Allele origin: germline.
Comment: The p.Y20539C variant (also known as c.61616A>G), located in coding exon 159 of the TTN gene, results from an A to G substitution at nucleotide position 61616. The tyrosine at codon 20539 is replaced by cysteine, an amino acid with highly dissimilar properties. This amino acid position is highly conserved in available vertebrate species. In addition, this alteration is predicted to be deleterious by in silico analysis. Since supporting evidence is limited at this time, the clinical significance of this alteration remains unclear.